The following is an entry in ClinVar:

NM_032447.5(FBN3):c.3236C>T (p.Pro1079Leu)

Gene: FBN3 (fibrillin 3; minus strand). Cytogenetic location: 19p13.2.
Variant type: single nucleotide variant.
Coding change: c.3236C>T on transcript NM_032447.5 (MANE Select); coding-DNA position 3236, C replaced by T.
Protein change: p.Pro1079Leu; replaces proline 1079 with leucine.
Molecular consequence: missense variant.
Genome position (GRCh38, 1-based): chr19:8,118,998, G>A on the plus strand (C>T on the coding strand, the complement: FBN3 is on the minus strand). VCF-style: chr19-8118998-G-A. GRCh37 (hg19) VCF-style: chr19-8183882-G-A.
Other names: c.3236C>T, p.Pro1079Leu (NM_001321431.2); short protein forms P1079L.
Identifiers: ClinVar variation 3093374 (VCV003093374.3), dbSNP rs370282626, ClinGen allele CA9152507.

ClinVar aggregate classification (germline): Uncertain significance. Review status: criteria provided, multiple submitters, no conflicts (2 of 4 stars). 2 submissions from 2 submitters: Uncertain significance (2). Last evaluated 2024-11-14.

Allele frequency attached by ClinVar (database versions not stated): ESP Exome Variant Server 0.00008; ExAC 0.00010; gnomAD exomes 0.00002; TOPMed 0.00005; gnomAD 0.00007.
gnomAD v4.1: 53 of 1,608,454 alleles (0.0033%); highest among the groups gnomAD compares: Middle Eastern, 0.016%; no homozygotes.

Submissions (2):

Labcorp Genetics (formerly Invitae), Labcorp
Classification: Uncertain significance. Last evaluated: 2024-11-14. Review status: criteria provided, single submitter. Criteria: Invitae Variant Classification Sherloc (09022015). Collection method: clinical testing. Allele origin: germline.
Comment: This sequence change replaces proline, which is neutral and non-polar, with leucine, which is neutral and non-polar, at codon 1079 of the FBN3 protein (p.Pro1079Leu). This variant is present in population databases (rs370282626, gnomAD 0.02%). This variant has not been reported in the literature in individuals affected with FBN3-related conditions. ClinVar contains an entry for this variant (Variation ID: 3093374). Invitae Evidence Modeling of protein sequence and biophysical properties (such as structural, functional, and spatial information, amino acid conservation, physicochemical variation, residue mobility, and thermodynamic stability) indicates that this missense variant is not expected to disrupt FBN3 protein function with a negative predictive value of 80%. In summary, the available evidence is currently insufficient to determine the role of this variant in disease. Therefore, it has been classified as a Variant of Uncertain Significance.

Ambry Genetics
Classification: Uncertain significance. Last evaluated: 2023-12-19. Review status: criteria provided, single submitter. Criteria: Ambry Variant Classification Scheme 2023. Collection method: clinical testing. Allele origin: germline.